The following is an entry in ClinVar:

NM_001197104.2(KMT2A):c.2426C>T (p.Ser809Phe)

Gene: KMT2A (lysine methyltransferase 2A; plus strand). Cytogenetic location: 11q23.3.
Variant type: single nucleotide variant.
Coding change: c.2426C>T on transcript NM_001197104.2 (MANE Select); coding-DNA position 2426, C replaced by T.
Protein change: p.Ser809Phe; replaces serine 809 with phenylalanine.
Molecular consequence: missense variant.
Genome position (GRCh38, 1-based): chr11:118,473,585, C>T. VCF-style: chr11-118473585-C-T. GRCh37 (hg19) VCF-style: chr11-118344300-C-T.
Other names: c.2426C>T, p.Ser809Phe (NM_005933.4); short protein forms S809F.
Identifiers: ClinVar variation 1183591 (VCV001183591.11), dbSNP rs374005016, ClinGen allele CA229521926.

ClinVar aggregate classification (germline): Conflicting classifications of pathogenicity. Review status: criteria provided, conflicting classifications (1 of 4 stars). 4 submissions from 4 submitters: Uncertain significance (3); Likely benign (1). Last evaluated 2025-12-13.

Conditions:
Inborn genetic diseases. Identifiers: MedGen C0950123, MeSH D030342.
Wiedemann-Steiner syndrome (WDSTS). Also called: Growth deficiency and mental retardation with facial dysmorphism. Identifiers: Orphanet 319182, MedGen C1854630, MONDO:0011518, OMIM 605130.

Allele frequency attached by ClinVar (database versions not stated): gnomAD exomes below 0.00001 and 0.00008; gnomAD 0.00001 and 0.00002; TOPMed 0.00002; ESP Exome Variant Server 0.00008.
gnomAD v4.1: 116 of 1,613,972 alleles (0.0072%); highest among the groups gnomAD compares: Non-Finnish European, 0.0097%; no homozygotes.

Submissions (4):

Labcorp Genetics (formerly Invitae), Labcorp
Classification: Uncertain significance. Last evaluated: 2025-12-13. Review status: criteria provided, single submitter. Criteria: Invitae Variant Classification Sherloc (09022015). Collection method: clinical testing. Allele origin: germline.
Comment: This sequence change replaces serine, which is neutral and polar, with phenylalanine, which is neutral and non-polar, at codon 809 of the KMT2A protein (p.Ser809Phe). This variant is present in population databases (rs374005016, gnomAD 0.002%). This variant has not been reported in the literature in individuals affected with KMT2A-related conditions. ClinVar contains an entry for this variant (Variation ID: 1183591). Invitae Evidence Modeling of protein sequence and biophysical properties (such as structural, functional, and spatial information, amino acid conservation, physicochemical variation, residue mobility, and thermodynamic stability) indicates that this missense variant is not expected to disrupt KMT2A protein function with a negative predictive value of 95%. In summary, the available evidence is currently insufficient to determine the role of this variant in disease. Therefore, it has been classified as a Variant of Uncertain Significance.

Revvity Omics, Revvity
Classification: Uncertain significance for Wiedemann-Steiner syndrome. Last evaluated: 2024-11-11. Review status: criteria provided, single submitter. Criteria: ACMG Guidelines, 2015. Collection method: clinical testing. Allele origin: germline.

GeneDx
Classification: Likely benign. Last evaluated: 2024-08-02. Review status: criteria provided, single submitter. Criteria: GeneDx Variant Classification Process June 2021. Collection method: clinical testing. Allele origin: germline. Affected: yes.
Comment: See Variant Classification Assertion Criteria.

Ambry Genetics
Classification: Uncertain significance for Inborn genetic diseases. Last evaluated: 2021-04-17. Review status: criteria provided, single submitter. Criteria: Ambry Variant Classification Scheme 2023. Collection method: clinical testing. Allele origin: germline.